The following is an entry in ClinVar:

ClinVar aggregate classification (germline): Pathogenic (1 of 4 stars; one submission).

Conditions:
Glutathione synthetase deficiency with 5-oxoprolinuria. Also called: PYROGLUTAMIC ACIDURIA; 5-Oxoprolinuria; Reduced glutathione synthetase level; Gluthathione synthetase deficiency; 5-OXOPROLINURIA DUE TO GLUTATHIONE SYNTHETASE DEFICIENCY. Identifiers: Orphanet 289846, MedGen C0398746, MONDO:0009947, OMIM 266130, HP:0003343.

Allele frequency attached by ClinVar (database versions not stated): TOPMed 0.00001.
gnomAD v4.1: 15 of 1,614,024 alleles (0.00093%); highest among the groups gnomAD compares: South Asian, 0.0022%; no homozygotes.

Submission:

Labcorp Genetics (formerly Invitae), Labcorp
Classification: Pathogenic for Glutathione synthetase deficiency with 5-oxoprolinuria. Last evaluated: 2024-10-31. Review status: criteria provided, single submitter. Criteria: Invitae Variant Classification Sherloc (09022015). Collection method: clinical testing. Allele origin: germline.
Comment: This sequence change replaces arginine, which is basic and polar, with histidine, which is basic and polar, at codon 125 of the GSS protein (p.Arg125His). This variant is present in population databases (rs748780943, gnomAD 0.003%). This missense change has been observed in individual(s) with gluthathione synthetase deficiency (PMID: 15717202, 26669244, 28267090). ClinVar contains an entry for this variant (Variation ID: 2736963). Invitae Evidence Modeling of protein sequence and biophysical properties (such as structural, functional, and spatial information, amino acid conservation, physicochemical variation, residue mobility, and thermodynamic stability) indicates that this missense variant is expected to disrupt GSS protein function with a positive predictive value of 80%. This variant disrupts the p.Arg125 amino acid residue in GSS. Other variant(s) that disrupt this residue have been determined to be pathogenic (PMID: 8896573, 11445798). This suggests that this residue is clinically significant, and that variants that disrupt this residue are likely to be disease-causing. For these reasons, this variant has been classified as Pathogenic.

Literature cited by the submitters: PubMed 15717202; PubMed 26669244; PubMed 28267090; PubMed 8896573; PubMed 11445798.

NM_000178.4(GSS):c.374G>A (p.Arg125His)

Gene: GSS (glutathione synthetase; minus strand). Cytogenetic location: 20q11.22.
Variant type: single nucleotide variant.
Coding change: c.374G>A on transcript NM_000178.4 (MANE Select); coding-DNA position 374, G replaced by A.
Protein change: p.Arg125His; replaces arginine 125 with histidine.
Molecular consequence: missense variant.
Genome position (GRCh38, 1-based): chr20:34,942,605, C>T on the plus strand (G>A on the coding strand, the complement: GSS is on the minus strand). VCF-style: chr20-34942605-C-T. GRCh37 (hg19) VCF-style: chr20-33530408-C-T.
Other names: c.374G>A, p.Arg125His (NM_001322494.1, NM_001322495.1); short protein forms R125H.
Identifiers: ClinVar variation 2736963 (VCV002736963.3), dbSNP rs748780943, ClinGen allele CA313484437.
Genomic context (GRCh38, chr20:34,942,605, plus strand): 5'-ATTTCGATCTGTTTCAGGGCTGGGGAGCCATCTGCGCTGCGCTGGAACATGTAGTCTGAG[C>T]GATTCAGGCCCAGGAACACAGTCTGTGGGGAAAACTGAAGGCTGACAGTACCTGCCCAGG-3'
Protein context (NP_000169.1, residues 115-135): IAQTVFLGLN[Arg125His]SDYMFQRSAD